The following is an entry in ClinVar:

NM_000706.5(AVPR1A):c.924C>A (p.Phe308Leu)

Gene: AVPR1A (arginine vasopressin receptor 1A; minus strand). Cytogenetic location: 12q14.2.
Variant type: single nucleotide variant.
Coding change: c.924C>A on transcript NM_000706.5 (MANE Select); coding-DNA position 924, C replaced by A.
Protein change: p.Phe308Leu; replaces phenylalanine 308 with leucine.
Molecular consequence: missense variant.
Genome position (GRCh38, 1-based): chr12:63,149,913, G>T on the plus strand (C>A on the coding strand, the complement: AVPR1A is on the minus strand). VCF-style: chr12-63149913-G-T. GRCh37 (hg19) VCF-style: chr12-63543693-G-T.
Other names: short protein forms F308L.
Identifiers: ClinVar variation 701887 (VCV000701887.14), dbSNP rs113578517, ClinGen allele CA6665012.

ClinVar aggregate classification (germline): Benign. Review status: criteria provided, multiple submitters, no conflicts (2 of 4 stars). 3 submissions from 3 submitters: Benign (3). Last evaluated 2025-06-01.

Allele frequency attached by ClinVar (database versions not stated): 1000 Genomes Project 0.00379; 1000 Genomes Project 30x 0.00390; TOPMed 0.00691; gnomAD 0.00897; ESP Exome Variant Server 0.01023.
gnomAD v4.1: 16,837 of 1,613,744 alleles (1%); highest among the groups gnomAD compares: Non-Finnish European, 1.2%; 136 homozygotes.

Submissions (3):

CeGaT Center for Human Genetics Tuebingen
Classification: Benign. Last evaluated: 2025-06-01. Review status: criteria provided, single submitter. Criteria: CeGaT Center For Human Genetics Tuebingen Variant Classification Criteria Version 2. Collection method: clinical testing. Allele origin: germline. Affected: yes. Observed: 1 variant allele.
Comment: AVPR1A: BS1, BS2

Labcorp Genetics (formerly Invitae), Labcorp
Classification: Benign. Last evaluated: 2018-04-06. Review status: criteria provided, single submitter. Criteria: Invitae Variant Classification Sherloc (09022015). Collection method: clinical testing. Allele origin: germline.

Breakthrough Genomics
Classification: Benign. Review status: criteria provided, single submitter. Criteria: ACMG Guidelines, 2015. Collection method: not provided. Allele origin: germline. Inheritance: Unknown mechanism. Affected: yes.